The following is an entry in ClinVar:

NM_015030.2(FRYL):c.8153A>G (p.Gln2718Arg)

Gene: FRYL (FRY like transcription coactivator; minus strand). Cytogenetic location: 4p11.
Variant type: single nucleotide variant.
Coding change: c.8153A>G on transcript NM_015030.2 (MANE Select); coding-DNA position 8153, A replaced by G.
Protein change: p.Gln2718Arg; replaces glutamine 2718 with arginine.
Molecular consequence: missense variant.
Genome position (GRCh38, 1-based): chr4:48,510,977, T>C on the plus strand (A>G on the coding strand, the complement: FRYL is on the minus strand). VCF-style: chr4-48510977-T-C. GRCh37 (hg19) VCF-style: chr4-48512994-T-C.
Other names: short protein forms Q2718R.
Identifiers: ClinVar variation 4754132 (VCV004754132.1).

ClinVar aggregate classification (germline): Uncertain significance (1 of 4 stars; one submission).

gnomAD v4.1: 8 of 1,610,996 alleles (0.0005%); highest among the groups gnomAD compares: Admixed American, 0.012%; no homozygotes.

Submission:

Labcorp Genetics (formerly Invitae), Labcorp
Classification: Uncertain significance. Last evaluated: 2025-03-28. Review status: criteria provided, single submitter. Criteria: Invitae Variant Classification Sherloc (09022015). Collection method: clinical testing. Allele origin: germline.
Comment: This sequence change replaces glutamine, which is neutral and polar, with arginine, which is basic and polar, at codon 2718 of the FRYL protein (p.Gln2718Arg). This variant is present in population databases (no rsID available, gnomAD 0.01%). This variant has not been reported in the literature in individuals affected with FRYL-related conditions. An algorithm developed to predict the effect of missense changes on protein structure and function (PolyPhen-2) suggests that this variant is likely to be disruptive. In summary, the available evidence is currently insufficient to determine the role of this variant in disease. Therefore, it has been classified as a Variant of Uncertain Significance.